The following is an entry in ClinVar:

NM_000089.4(COL1A2):c.3143G>A (p.Gly1048Asp)

Gene: COL1A2 (collagen type I alpha 2 chain; plus strand). Cytogenetic location: 7q21.3.
Variant type: single nucleotide variant.
Coding change: c.3143G>A on transcript NM_000089.4 (MANE Select); coding-DNA position 3143, G replaced by A.
Protein change: p.Gly1048Asp; replaces glycine 1048 with aspartic acid.
Molecular consequence: missense variant.
Genome position (GRCh38, 1-based): chr7:94,427,045, G>A. VCF-style: chr7-94427045-G-A. GRCh37 (hg19) VCF-style: chr7-94056357-G-A.
Other names: short protein forms G1048D.
Identifiers: ClinVar variation 2116826 (VCV002116826.4), dbSNP rs2484737368, ClinGen allele CA368225362.

ClinVar aggregate classification (germline): Pathogenic (1 of 4 stars; one submission).

Conditions:
Ehlers-Danlos syndrome, classic type, 1 (EDSCL1). Also called: EHLERS-DANLOS SYNDROME, GRAVIS TYPE; EHLERS-DANLOS SYNDROME, SEVERE CLASSIC TYPE; Ehlers-Danlos syndrome, type 1; EDS I; Ehlers-Danlos Syndrome, Classic Type, COL5A1-Related. Identifiers: MedGen C0268335, MONDO:0019567, OMIM 130000.
Osteogenesis imperfecta type I (OI1). Also called: OI, TYPE I; OSTEOGENESIS IMPERFECTA TARDA; OSTEOGENESIS IMPERFECTA WITH BLUE SCLERAE; Osteogenesis imperfecta type 1; Lobstein's Disease; Lobstein disease. Identifiers: Orphanet 216796, Orphanet 666, MedGen C0023931, MONDO:0008146, OMIM 166200. Disease mechanism: loss of function.

Submission:

Labcorp Genetics (formerly Invitae), Labcorp
Classification: Pathogenic for Osteogenesis imperfecta type I; Ehlers-Danlos syndrome, classic type, 1. Last evaluated: 2022-03-25. Review status: criteria provided, single submitter. Criteria: Invitae Variant Classification Sherloc (09022015). Collection method: clinical testing. Allele origin: germline.
Comment: This variant is not present in population databases (gnomAD no frequency). This sequence change replaces glycine, which is neutral and non-polar, with aspartic acid, which is acidic and polar, at codon 1048 of the COL1A2 protein (p.Gly1048Asp). Advanced modeling of protein sequence and biophysical properties (such as structural, functional, and spatial information, amino acid conservation, physicochemical variation, residue mobility, and thermodynamic stability) performed at Invitae indicates that this missense variant is expected to disrupt COL1A2 protein function. This missense change has been observed in individual(s) with autosomal dominant osteogenesis imperfecta (Invitae). This variant disrupts the triple helix domain of COL1A2. Glycine residues within the Gly-Xaa-Yaa repeats of the triple helix domain are required for the structure and stability of fibrillar collagens (PMID: 7695699, 8218237, 19344236). In COL1A2, variants affecting these glycine residues are significantly enriched in individuals with disease (PMID: 9016532, 17078022) compared to the general population (ExAC). For these reasons, this variant has been classified as Pathogenic.

Literature cited by the submitters: PubMed 7695699; PubMed 8218237; PubMed 19344236; PubMed 9016532; PubMed 17078022.